The following is an entry in ClinVar:

NM_172245.4(CSF2RA):c.191A>G (p.Asp64Gly)

Gene: CSF2RA (colony stimulating factor 2 receptor subunit alpha; plus strand). Cytogenetic location: Xp22.33.
Variant type: single nucleotide variant.
Coding change: c.191A>G on transcript NM_172245.4 (MANE Select); coding-DNA position 191, A replaced by G.
Protein change: p.Asp64Gly; replaces aspartic acid 64 with glycine.
Molecular consequence: missense variant. On other transcripts: non-coding transcript variant (1), intron variant (1).
Genome position (GRCh38, 1-based): chrX:1,285,892, A>G. VCF-style: chrX-1285892-A-G. GRCh37 (hg19) VCF-style: chrX-1404785-A-G.
Other names: c.191A>G, p.Asp64Gly (NM_001161529.2, NM_001161530.2, NM_001161531.2 and 20 more transcripts); c.-180-2627A>G (NM_001161532.2); short protein forms D64G.
Identifiers: ClinVar variation 573103 (VCV000573103.13), dbSNP rs150743648, ClinGen allele CA10330687.

ClinVar aggregate classification (germline): Conflicting classifications of pathogenicity. Review status: criteria provided, conflicting classifications (1 of 4 stars). 5 submissions from 5 submitters: Uncertain significance (3); Likely benign (1). 1 of the submissions does not count toward it. Last evaluated 2024-11-04.

Conditions:
CSF2RA-related disorder. Also called: CSF2RA-related condition.
Surfactant metabolism dysfunction, pulmonary, 4 (SMDP4). Also called: CSF2RA DEFICIENCY; PAP DUE TO CSF2RA DEFICIENCY; PULMONARY ALVEOLAR PROTEINOSIS, CONGENITAL, 4. Identifiers: Orphanet 264675, MedGen C2677877, MONDO:0010424, OMIM 300770.

Allele frequency attached by ClinVar (database versions not stated): 1000 Genomes Project 30x 0.00021; 1000 Genomes Project 0.00026; ESP Exome Variant Server 0.00038; ExAC 0.00050; gnomAD exomes 0.00050 and 0.00055; gnomAD 0.00052 and 0.00059; TOPMed 0.00059.
gnomAD v4.1: 808 of 1,613,860 alleles (0.05%); highest among the groups gnomAD compares: Admixed American, 0.16%; no homozygotes.

Submissions (5):

Blueprint Genetics
Classification: Likely benign. Last evaluated: 2024-11-04. Review status: criteria provided, single submitter. Criteria: ACMG Guidelines, 2015. Collection method: clinical testing. Allele origin: germline.

Labcorp Genetics (formerly Invitae), Labcorp
Classification: Uncertain significance for Surfactant metabolism dysfunction, pulmonary, 4. Last evaluated: 2022-10-17. Review status: criteria provided, single submitter. Criteria: Invitae Variant Classification Sherloc (09022015). Collection method: clinical testing. Allele origin: germline.
Comment: This sequence change replaces aspartic acid, which is acidic and polar, with glycine, which is neutral and non-polar, at codon 64 of the CSF2RA protein (p.Asp64Gly). This variant is present in population databases (no rsID available, gnomAD 0.2%), and has an allele count higher than expected for a pathogenic variant. This variant has not been reported in the literature in individuals affected with CSF2RA-related conditions. ClinVar contains an entry for this variant (Variation ID: 573103). Advanced modeling of protein sequence and biophysical properties (such as structural, functional, and spatial information, amino acid conservation, physicochemical variation, residue mobility, and thermodynamic stability) performed at Invitae indicates that this missense variant is not expected to disrupt CSF2RA protein function. In summary, the available evidence is currently insufficient to determine the role of this variant in disease. Therefore, it has been classified as a Variant of Uncertain Significance.

Fulgent Genetics
Classification: Uncertain significance for Surfactant metabolism dysfunction, pulmonary, 4. Last evaluated: 2021-10-07. Review status: criteria provided, single submitter. Criteria: ACMG Guidelines, 2015. Collection method: clinical testing. Allele origin: unknown.

Center for Genomics, Ann and Robert H. Lurie Children's Hospital of Chicago
Classification: Uncertain significance. Last evaluated: 2021-03-30. Review status: criteria provided, single submitter. Criteria: ACMG Guidelines, 2015. Collection method: clinical testing. Allele origin: germline.
Comment: CSF2RA NM_001161531.1 exon 4 p.Asp64Gly (c.191A>G): This variant has not been reported in the literature but is present in 0.06% (79/126408) of European alleles in the Genome Aggregation Database. This variant is present in ClinVar (Variation ID:575469). Evolutionary conservation for this variant is limited or unavailable; computational predictive tools suggest that this variant may not impact the protein. In summary, data on this variant is insufficient for disease classification. Therefore, the clinical significance of this variant is uncertain.

PreventionGenetics, part of Exact Sciences
Classification: Likely benign for CSF2RA-related condition. Last evaluated: 2024-01-15. Review status: no assertion criteria provided. Collection method: clinical testing. Allele origin: germline. Not counted in ClinVar's aggregate classification.
Comment: This variant is classified as likely benign based on ACMG/AMP sequence variant interpretation guidelines (Richards et al. 2015 PMID: 25741868, with internal and published modifications).